The following is an entry in ClinVar:

NM_001369.3(DNAH5):c.7109C>T (p.Ala2370Val)

Gene: DNAH5 (dynein axonemal heavy chain 5; minus strand). Cytogenetic location: 5p15.2.
Variant type: single nucleotide variant.
Coding change: c.7109C>T on transcript NM_001369.3 (MANE Select); coding-DNA position 7109, C replaced by T.
Protein change: p.Ala2370Val; replaces alanine 2370 with valine.
Molecular consequence: missense variant.
Genome position (GRCh38, 1-based): chr5:13,814,726, G>A on the plus strand (C>T on the coding strand, the complement: DNAH5 is on the minus strand). VCF-style: chr5-13814726-G-A. GRCh37 (hg19) VCF-style: chr5-13814835-G-A.
Other names: short protein forms A2370V.
Identifiers: ClinVar variation 966236 (VCV000966236.8), dbSNP rs776056472, ClinGen allele CA3203179.

ClinVar aggregate classification (germline): Uncertain significance. Review status: criteria provided, multiple submitters, no conflicts (2 of 4 stars). 3 submissions from 3 submitters: Uncertain significance (2). 1 of the submissions does not count toward it. Last evaluated 2024-12-07.

Conditions:
Primary ciliary dyskinesia. Also called: Ciliary dyskinesia. Identifiers: Orphanet 244, MedGen C0008780, MONDO:0016575, HP:0012265.

Allele frequency attached by ClinVar (database versions not stated): gnomAD exomes 0.00001 and 0.00002; TOPMed 0.00001; ExAC 0.00002.
gnomAD v4.1: 23 of 1,614,096 alleles (0.0014%); highest among the groups gnomAD compares: East Asian, 0.0022%; no homozygotes.

Submissions (3):

Ambry Genetics
Classification: Uncertain significance for Primary ciliary dyskinesia. Last evaluated: 2024-12-07. Review status: criteria provided, single submitter. Criteria: Ambry Variant Classification Scheme 2023. Collection method: clinical testing. Allele origin: germline.
Comment: The p.A2370V variant (also known as c.7109C>T), located in coding exon 43 of the DNAH5 gene, results from a C to T substitution at nucleotide position 7109. The alanine at codon 2370 is replaced by valine, an amino acid with similar properties. This amino acid position is conserved. In addition, this alteration is predicted to be tolerated by in silico analysis. Based on the available evidence, the clinical significance of this variant remains unclear.

Labcorp Genetics (formerly Invitae), Labcorp
Classification: Uncertain significance for Primary ciliary dyskinesia. Last evaluated: 2021-08-27. Review status: criteria provided, single submitter. Criteria: Invitae Variant Classification Sherloc (09022015). Collection method: clinical testing. Allele origin: germline.
Comment: This sequence change replaces alanine with valine at codon 2370 of the DNAH5 protein (p.Ala2370Val). The alanine residue is highly conserved and there is a small physicochemical difference between alanine and valine. This variant is present in population databases (rs776056472, ExAC 0.003%). This variant has not been reported in the literature in individuals affected with DNAH5-related conditions. Algorithms developed to predict the effect of missense changes on protein structure and function (SIFT, PolyPhen-2, Align-GVGD) all suggest that this variant is likely to be disruptive. In summary, the available evidence is currently insufficient to determine the role of this variant in disease. Therefore, it has been classified as a Variant of Uncertain Significance.

Natera, Inc.
Classification: Uncertain significance for Primary ciliary dyskinesia. Last evaluated: 2020-07-29. Review status: no assertion criteria provided. Collection method: clinical testing. Allele origin: germline. Not counted in ClinVar's aggregate classification.